The following is an entry in ClinVar:

ClinVar aggregate classification (germline): Uncertain significance (1 of 4 stars; one submission).

Conditions:
Cardiovascular phenotype. Identifiers: MedGen CN230736.

Submission:

Ambry Genetics
Classification: Uncertain significance for Cardiovascular phenotype. Last evaluated: 2024-11-10. Review status: criteria provided, single submitter. Criteria: Ambry Variant Classification Scheme 2023. Collection method: clinical testing. Allele origin: germline.
Comment: The p.M2618I variant (also known as c.7854G>A), located in coding exon 31 of the AKAP9 gene, results from a G to A substitution at nucleotide position 7854. The methionine at codon 2618 is replaced by isoleucine, an amino acid with highly similar properties. This amino acid position is conserved. In addition, this alteration is predicted to be tolerated by in silico analysis. Based on the available evidence, the clinical significance of this variant remains unclear.

NM_005751.5(AKAP9):c.7854G>A (p.Met2618Ile)

Gene: AKAP9 (A-kinase anchoring protein 9; plus strand). Cytogenetic location: 7q21.2.
Variant type: single nucleotide variant.
Coding change: c.7854G>A on transcript NM_005751.5 (MANE Select); coding-DNA position 7854, G replaced by A.
Protein change: p.Met2618Ile; replaces methionine 2618 with isoleucine.
Molecular consequence: missense variant.
Genome position (GRCh38, 1-based): chr7:92,079,987, G>A. VCF-style: chr7-92079987-G-A. GRCh37 (hg19) VCF-style: chr7-91709301-G-A.
Other names: c.2499G>A, p.Met833Ile (NM_001379277.1); c.7830G>A, p.Met2610Ile (NM_147185.3); short protein forms M2610I, M2618I, M833I.
Identifiers: ClinVar variation 3517246 (VCV003517246.1).
Genomic context (GRCh38, chr7:92,079,987, plus strand): 5'-GTCAGATATATCAGCATTAACCTTGAGAATATCAGAATTAGAAAGCCAGGTTGTTGAAAT[G>A]CATACTAGTTTGATTTTAGAAAAAGAACAAGTAGAAATTGCAGAAAAAAATGTTTTAGAA-3'
Protein context (NP_005742.4, residues 2608-2628): ISELESQVVE[Met2618Ile]HTSLILEKEQ